The following is an entry in ClinVar:

ClinVar aggregate classification (germline): Pathogenic. Review status: criteria provided, multiple submitters, no conflicts (2 of 4 stars). 2 submissions from 2 submitters: Pathogenic (2). Last evaluated 2024-08-20.

Allele frequency attached by ClinVar (database versions not stated): gnomAD exomes below 0.00001.

Submissions (2):

Dasa
Classification: Pathogenic. Last evaluated: 2024-08-20. Review status: criteria provided, single submitter. Criteria: DASA Assertion Criteria. Collection method: clinical testing. Allele origin: germline.
Comment: NM_032119.4(ADGRV1):c.7839del (p.Gly2615Alafs*3) introduces a premature termination codon predicted to result in loss of normal protein function. Loss-of-function is an established mechanism of disease for this gene. The variant is present at low frequency in population datasets. Based on the available data, this variant is classified as pathogenic.

Labcorp Genetics (formerly Invitae), Labcorp
Classification: Pathogenic. Last evaluated: 2023-10-09. Review status: criteria provided, single submitter. Criteria: Invitae Variant Classification Sherloc (09022015). Collection method: clinical testing. Allele origin: germline.
Comment: This sequence change creates a premature translational stop signal (p.Gly2615Alafs*3) in the ADGRV1 gene. It is expected to result in an absent or disrupted protein product. Loss-of-function variants in ADGRV1 are known to be pathogenic (PMID: 19357117, 22135276, 22147658, 26226137, 30718709, 31047384, 32467589). This variant is not present in population databases (gnomAD no frequency). This variant has not been reported in the literature in individuals affected with ADGRV1-related conditions. For these reasons, this variant has been classified as Pathogenic.

Literature cited by the submitters: PubMed 19357117 (cited by Labcorp Genetics (formerly Invitae), Labcorp); PubMed 22135276 (cited by Labcorp Genetics (formerly Invitae), Labcorp); PubMed 22147658 (cited by Labcorp Genetics (formerly Invitae), Labcorp); PubMed 26226137 (cited by Labcorp Genetics (formerly Invitae), Labcorp); PubMed 30718709 (cited by Labcorp Genetics (formerly Invitae), Labcorp); PubMed 31047384 (cited by Labcorp Genetics (formerly Invitae), Labcorp); PubMed 32467589 (cited by Labcorp Genetics (formerly Invitae), Labcorp).

NM_032119.4(ADGRV1):c.7839del (p.Gly2615fs)

Gene: ADGRV1 (adhesion G protein-coupled receptor V1; plus strand). Cytogenetic location: 5q14.3.
Variant type: Deletion.
Coding change: c.7839del on transcript NM_032119.4 (MANE Select); coding-DNA position 7839, one base deleted (A; older notation c.7839delA).
Protein change: p.Gly2615fs; shifts the reading frame from glycine 2615.
Molecular consequence: frameshift variant. On other transcripts: non-coding transcript variant (1).
Genome position (GRCh38, 1-based): chr5:90,694,595, A deleted. VCF-style (leftmost placement, unchanged base first): chr5-90694594-CA-C. GRCh37 (hg19) VCF-style: chr5-89990411-CA-C.
Other names: short protein forms G2615fs.
Identifiers: ClinVar variation 2811463 (VCV002811463.4), dbSNP rs2530957601, ClinGen allele CA445405405.